The following is an entry in ClinVar:

NM_022841.7(RFX7):c.4238G>T (p.Gly1413Val)

Gene: RFX7 (regulatory factor X7; minus strand). Cytogenetic location: 15q21.3.
Variant type: single nucleotide variant.
Coding change: c.4238G>T on transcript NM_022841.7 (MANE Select); coding-DNA position 4238, G replaced by T.
Protein change: p.Gly1413Val; replaces glycine 1413 with valine.
Molecular consequence: missense variant. On other transcripts: intron variant (1).
Genome position (GRCh38, 1-based): chr15:56,093,490, C>A on the plus strand (G>T on the coding strand, the complement: RFX7 is on the minus strand). VCF-style: chr15-56093490-C-A. GRCh37 (hg19) VCF-style: chr15-56385688-C-A.
Other names: c.3947G>T, p.Gly1316Val (NM_001368073.2, NM_001368074.1); c.4238G>T, p.Gly1413Val (NM_001370561.1); c.3804+143G>T (NM_001370554.1); short protein forms G1316V, G1413V.
Identifiers: ClinVar variation 5028232 (VCV005028232.1).

ClinVar aggregate classification (germline): Uncertain significance (1 of 4 stars; one submission).

Conditions:
Inborn genetic diseases. Identifiers: MedGen C0950123, MeSH D030342.

gnomAD v4.1: 4 of 1,613,894 alleles (0.00025%); highest among the groups gnomAD compares: Admixed American, 0.0017%; no homozygotes.

Submission:

Ambry Genetics
Classification: Uncertain significance for Inborn genetic diseases. Last evaluated: 2026-07-13. Review status: criteria provided, single submitter. Criteria: Ambry Variant Classification Scheme 2023. Collection method: clinical testing. Allele origin: germline.
Comment: The c.4238G>T (p.G1413V) alteration is located in exon 9 (coding exon 9) of the RFX7 gene. This alteration results from a G to T substitution at nucleotide position 4238, causing the glycine (G) at amino acid position 1413 to be replaced by a valine (V). Based on data from gnomAD, the T allele has an overall frequency of <0.001% (1/248774) total alleles studied. The highest observed frequency was 0.003% (1/34476) of Latino alleles. Based on insufficient or conflicting evidence, the clinical significance of this alteration remains unclear.